The following is an entry in ClinVar:

NM_016239.4(MYO15A):c.2254G>A (p.Gly752Arg)

Gene: MYO15A (myosin XVA; plus strand). Cytogenetic location: 17p11.2.
Variant type: single nucleotide variant.
Coding change: c.2254G>A on transcript NM_016239.4 (MANE Select); coding-DNA position 2254, G replaced by A.
Protein change: p.Gly752Arg; replaces glycine 752 with arginine.
Molecular consequence: missense variant.
Genome position (GRCh38, 1-based): chr17:18,121,054, G>A. VCF-style: chr17-18121054-G-A. GRCh37 (hg19) VCF-style: chr17-18024368-G-A.
Other names: short protein forms G752R.
Identifiers: ClinVar variation 2370172 (VCV002370172.3), dbSNP rs770493586, ClinGen allele CA398583507.

ClinVar aggregate classification (germline): Uncertain significance. Review status: criteria provided, multiple submitters, no conflicts (2 of 4 stars). 2 submissions from 2 submitters: Uncertain significance (2). Last evaluated 2025-01-27.

Conditions:
Inborn genetic diseases. Identifiers: MedGen C0950123, MeSH D030342.

Allele frequency attached by ClinVar (database versions not stated): TOPMed 0.00005.
gnomAD v4.1: 18 of 1,508,902 alleles (0.0012%); highest among the groups gnomAD compares: Admixed American, 0.02%; no homozygotes.

Submissions (2):

GeneDx
Classification: Uncertain significance. Last evaluated: 2025-01-27. Review status: criteria provided, single submitter. Criteria: GeneDx Variant Classification Process June 2021. Collection method: clinical testing. Allele origin: germline. Affected: yes.
Comment: In silico analysis indicates that this missense variant does not alter protein structure/function; Has not been previously published as pathogenic or benign to our knowledge

Ambry Genetics
Classification: Uncertain significance for Inborn genetic diseases. Last evaluated: 2021-06-22. Review status: criteria provided, single submitter. Criteria: Ambry Variant Classification Scheme 2023. Collection method: clinical testing. Allele origin: germline.